The following is an entry in ClinVar:

NM_001376.5(DYNC1H1):c.10548C>T (p.Tyr3516=)

Gene: DYNC1H1 (dynein cytoplasmic 1 heavy chain 1; plus strand). Cytogenetic location: 14q32.31.
Variant type: single nucleotide variant.
Coding change: c.10548C>T on transcript NM_001376.5 (MANE Select); coding-DNA position 10548, C replaced by T.
Protein change: p.Tyr3516=; no amino-acid change (tyrosine 3516 retained).
Molecular consequence: synonymous variant.
Genome position (GRCh38, 1-based): chr14:102,034,110, C>T. VCF-style: chr14-102034110-C-T. GRCh37 (hg19) VCF-style: chr14-102500447-C-T.
Identifiers: ClinVar variation 210859 (VCV000210859.23), dbSNP rs760532492, ClinGen allele CA208313.

ClinVar aggregate classification (germline): Conflicting classifications of pathogenicity. Review status: criteria provided, conflicting classifications (1 of 4 stars). 7 submissions from 7 submitters: Uncertain significance (1); Likely benign (5). 1 of the submissions does not count toward it. Last evaluated 2025-09-01.

Conditions:
DYNC1H1-related disorder. Also called: DYNC1H1-related condition; DYNC1H1-related disorders. Identifiers: MedGen CN381529.
Inborn genetic diseases. Identifiers: MedGen C0950123, MeSH D030342.
Charcot-Marie-Tooth disease axonal type 2O. Also called: CHARCOT-MARIE-TOOTH NEUROPATHY, AXONAL, TYPE 2O; CHARCOT-MARIE-TOOTH DISEASE, AXONAL, AUTOSOMAL DOMINANT, TYPE 2O; Charcot-Marie-Tooth disease, axonal, type 20; Charcot-Marie-Tooth Neuropathy Type 2O. Identifiers: Orphanet 284232, MedGen C3280220, MONDO:0013644, OMIM 614228.

Allele frequency attached by ClinVar (database versions not stated): gnomAD 0.00003 and 0.00004; TOPMed 0.00003; ExAC 0.00005; gnomAD exomes 0.00007 and 0.00008.
gnomAD v4.1: 101 of 1,614,048 alleles (0.0063%); highest among the groups gnomAD compares: South Asian, 0.046%; no homozygotes.

Submissions (7):

Labcorp Genetics (formerly Invitae), Labcorp
Classification: Likely benign for Charcot-Marie-Tooth disease axonal type 2O. Last evaluated: 2025-09-01. Review status: criteria provided, single submitter. Criteria: Invitae Variant Classification Sherloc (09022015). Collection method: clinical testing. Allele origin: germline.

Blueprint Genetics
Classification: Likely benign. Last evaluated: 2024-11-20. Review status: criteria provided, single submitter. Criteria: ACMG Guidelines, 2015. Collection method: clinical testing. Allele origin: germline.

ARUP Laboratories, Molecular Genetics and Genomics, ARUP Laboratories
Classification: Likely benign. Last evaluated: 2023-03-20. Review status: criteria provided, single submitter. Criteria: ARUP Molecular Germline Variant Investigation Process 2024. Collection method: clinical testing. Allele origin: germline.

Ambry Genetics
Classification: Likely benign for Inborn genetic diseases. Last evaluated: 2019-02-09. Review status: criteria provided, single submitter. Criteria: Ambry Variant Classification Scheme 2023. Collection method: clinical testing. Allele origin: germline.

GeneDx
Classification: Likely benign. Last evaluated: 2017-07-21. Review status: criteria provided, single submitter. Criteria: GeneDx Variant Classification (06012015). Collection method: clinical testing. Allele origin: germline. Affected: yes.
Comment: This variant is considered likely benign or benign based on one or more of the following criteria: it is a conservative change, it occurs at a poorly conserved position in the protein, it is predicted to be benign by multiple in silico algorithms, and/or has population frequency not consistent with disease.

Genetic Services Laboratory, University of Chicago
Classification: Uncertain significance. Last evaluated: 2014-10-10. Review status: criteria provided, single submitter. Criteria: ACMG Guidelines, 2015. Collection method: clinical testing. Allele origin: germline.

PreventionGenetics, part of Exact Sciences
Classification: Likely benign for DYNC1H1-related condition. Last evaluated: 2024-01-22. Review status: no assertion criteria provided. Collection method: clinical testing. Allele origin: germline. Not counted in ClinVar's aggregate classification.
Comment: This variant is classified as likely benign based on ACMG/AMP sequence variant interpretation guidelines (Richards et al. 2015 PMID: 25741868, with internal and published modifications).